The following is an entry in ClinVar:

ClinVar aggregate classification (germline): Uncertain significance (1 of 4 stars; one submission).

Conditions:
Familial thoracic aortic aneurysm and aortic dissection (TAAD). Also called: Thoracic aortic aneurysms and dissections. Identifiers: Orphanet 91387, MedGen C4707243, MONDO:0019625.

Submission:

Ambry Genetics
Classification: Uncertain significance for Familial thoracic aortic aneurysm and aortic dissection. Last evaluated: 2022-10-11. Review status: criteria provided, single submitter. Criteria: Ambry Variant Classification Scheme 2023. Collection method: clinical testing. Allele origin: germline.
Comment: The p.S1723T variant (also known as c.5168G>C) is located in coding exon 28 of the NOTCH1 gene. The serine at codon 1723 is replaced by threonine, an amino acid with similar properties. This change occurs in the first base pair of coding exon 28. This amino acid position is conserved. In addition, this alteration is predicted to be tolerated by in silico analysis. Since supporting evidence is limited at this time, the clinical significance of this alteration remains unclear.

NM_017617.5(NOTCH1):c.5168G>C (p.Ser1723Thr)

Gene: NOTCH1 (notch receptor 1; minus strand). Cytogenetic location: 9q34.3.
Variant type: single nucleotide variant.
Coding change: c.5168G>C on transcript NM_017617.5 (MANE Select); coding-DNA position 5168, G replaced by C.
Protein change: p.Ser1723Thr; replaces serine 1723 with threonine.
Molecular consequence: missense variant.
Genome position (GRCh38, 1-based): chr9:136,502,488, C>G on the plus strand (G>C on the coding strand, the complement: NOTCH1 is on the minus strand). VCF-style: chr9-136502488-C-G. GRCh37 (hg19) VCF-style: chr9-139396940-C-G.
Other names: short protein forms S1723T.
Identifiers: ClinVar variation 1745761 (VCV001745761.2), dbSNP rs1264629893, ClinGen allele CA375641400.
Genomic context (GRCh38, chr9:136,502,488, plus strand): 5'-GCGGCCGCCGCCACGTACATGAAGTGCAGCTGCGCCGGCGGGGGCGGCTCCACGGTCTCA[C>G]CTGCGGGCACGGGGGCCAGGGGCAGGTGCCCGGACATCAGGCAGCGGCTACGCAGCAGGC-3'
Protein context (NP_060087.3, residues 1713-1733): NIPYKIEAVQ[Ser1723Thr]ETVEPPPPAQ